The following is an entry in ClinVar:

ClinVar aggregate classification (germline): Pathogenic (1 of 4 stars; one submission).

Conditions:
Inborn genetic diseases. Identifiers: MedGen C0950123, MeSH D030342.

Allele frequency attached by ClinVar (database versions not stated): gnomAD exomes below 0.00001; ExAC 0.00002.
gnomAD v4.1: 3 of 1,614,120 alleles (0.00019%); highest among the groups gnomAD compares: East Asian, 0.0022%; no homozygotes.

Submission:

Ambry Genetics
Classification: Pathogenic for Inborn genetic diseases. Last evaluated: 2021-11-19. Review status: criteria provided, single submitter. Criteria: Ambry Variant Classification Scheme 2023. Collection method: clinical testing. Allele origin: germline.
Comment: The c.1405G>T (p.E469*) alteration, located in exon 11 (coding exon 10) of the DNMT3A gene, consists of a G to T substitution at nucleotide position 1405. This changes the amino acid from a glutamic acid (E) to a stop codon at amino acid position 469. This alteration is expected to result in loss of function by premature protein truncation or nonsense-mediated mRNA decay. This variant was not reported in population-based cohorts in the Genome Aggregation Database (gnomAD). Based on the available evidence, this alteration is classified as pathogenic.

NM_022552.5(DNMT3A):c.1405G>T (p.Glu469Ter)

Gene: DNMT3A (DNA methyltransferase 3 alpha; minus strand). Cytogenetic location: 2p23.3.
Variant type: single nucleotide variant.
Coding change: c.1405G>T on transcript NM_022552.5 (MANE Select); coding-DNA position 1405, G replaced by T.
Protein change: p.Glu469Ter; replaces glutamic acid 469 with a stop codon.
Molecular consequence: nonsense. On other transcripts: non-coding transcript variant (1).
Genome position (GRCh38, 1-based): chr2:25,246,184, C>A on the plus strand (G>T on the coding strand, the complement: DNMT3A is on the minus strand). VCF-style: chr2-25246184-C-A. GRCh37 (hg19) VCF-style: chr2-25469053-C-A.
Other names: c.949G>T, p.Glu317Ter (NM_001320893.1); c.736G>T, p.Glu246Ter (NM_001375819.1); c.838G>T, p.Glu280Ter (NM_153759.3); c.1405G>T, p.Glu469Ter (NM_175629.2); short protein forms E246*, E280*, E469*, E317*.
Identifiers: ClinVar variation 2255497 (VCV002255497.2), dbSNP rs765389013, ClinGen allele CA1556043.